The following is an entry in ClinVar:

ClinVar aggregate classification (germline): Uncertain significance (1 of 4 stars; one submission).

Submission:

Greenwood Genetic Center Diagnostic Laboratories, Greenwood Genetic Center
Classification: Uncertain significance. Last evaluated: 2024-09-26. Review status: criteria provided, single submitter. Criteria: ACMG Guidelines, 2015. Collection method: clinical testing. Allele origin: germline. Affected: yes.
Comment: PM2, PP3

NM_000202.8(IDS):c.132G>A (p.Val44=)

Gene: IDS (iduronate 2-sulfatase; minus strand). Cytogenetic location: Xq28.
Variant type: single nucleotide variant.
Coding change: c.132G>A on transcript NM_000202.8 (MANE Select); coding-DNA position 132, G replaced by A.
Protein change: p.Val44=; no amino-acid change (valine 44 retained).
Molecular consequence: synonymous variant. On other transcripts: 5 prime UTR variant (1), non-coding transcript variant (1).
Genome position (GRCh38, 1-based): chrX:149,504,265, C>T on the plus strand (G>A on the coding strand, the complement: IDS is on the minus strand). VCF-style: chrX-149504265-C-T. GRCh37 (hg19) VCF-style: chrX-148585795-C-T.
Other names: c.-95G>A (NM_001166550.4); c.132G>A, p.Val44= (NM_006123.5).
Identifiers: ClinVar variation 3765673 (VCV003765673.1).